The following is an entry in ClinVar:

ClinVar aggregate classification (germline): Likely benign. Review status: criteria provided, multiple submitters, no conflicts (2 of 4 stars). 3 submissions from 3 submitters: Likely benign (3). Last evaluated 2026-01-07.

Conditions:
Pseudohypoaldosteronism type 2B (PHA2B). Also called: Pseudohypoaldosteronism Type IIB. Identifiers: Orphanet 757, Orphanet 88939, MedGen C1840390, MONDO:0013777, OMIM 614491.

Allele frequency attached by ClinVar (database versions not stated): TOPMed 0.00012; ESP Exome Variant Server 0.00031.
gnomAD v4.1: 202 of 1,611,936 alleles (0.013%); highest among the groups gnomAD compares: Non-Finnish European, 0.016%; no homozygotes.

Submissions (3):

Labcorp Genetics (formerly Invitae), Labcorp
Classification: Likely benign. Last evaluated: 2026-01-07. Review status: criteria provided, single submitter. Criteria: Invitae Variant Classification Sherloc (09022015). Collection method: clinical testing. Allele origin: germline.

Fulgent Genetics
Classification: Likely benign for Pseudohypoaldosteronism type 2B. Last evaluated: 2021-11-21. Review status: criteria provided, single submitter. Criteria: ACMG Guidelines, 2015. Collection method: clinical testing. Allele origin: unknown.

Illumina Laboratory Services, Illumina
Classification: Likely benign for Pseudohypoaldosteronism type 2B. Last evaluated: 2018-01-13. Review status: criteria provided, single submitter. Criteria: ICSL Variant Classification Criteria 13 December 2019. Collection method: clinical testing. Allele origin: germline.
Comment: This variant was observed in the ICSL laboratory as part of a predisposition screen in an ostensibly healthy population. It had not been previously curated by ICSL or reported in the Human Gene Mutation Database (HGMD: prior to June 1st, 2018), and was therefore a candidate for classification through an automated scoring system. Utilizing variant allele frequency, disease prevalence and penetrance estimates, and inheritance mode, an automated score was calculated to assess if this variant is too frequent to cause the disease. Based on the score and internal cut-off values, a variant classified as likely benign is not then subjected to further curation. The score for this variant resulted in a classification of likely benign for this disease.

NM_032387.5(WNK4):c.1818G>A (p.Gly606=)

Gene: WNK4 (WNK lysine deficient protein kinase 4; plus strand). Cytogenetic location: 17q21.2.
Variant type: single nucleotide variant.
Coding change: c.1818G>A on transcript NM_032387.5 (MANE Select); coding-DNA position 1818, G replaced by A.
Protein change: p.Gly606=; no amino-acid change (glycine 606 retained).
Molecular consequence: synonymous variant.
Genome position (GRCh38, 1-based): chr17:42,787,854, G>A. VCF-style: chr17-42787854-G-A. GRCh37 (hg19) VCF-style: chr17-40939872-G-A.
Other names: c.810G>A, p.Gly270= (NM_001321299.2).
Identifiers: ClinVar variation 891575 (VCV000891575.7), dbSNP rs149633706, ClinGen allele CA8584104.